The following is an entry in ClinVar:

NM_001376.5(DYNC1H1):c.7614+6C>T

Gene: DYNC1H1 (dynein cytoplasmic 1 heavy chain 1; plus strand). Cytogenetic location: 14q32.31.
Variant type: single nucleotide variant.
Coding change: c.7614+6C>T on transcript NM_001376.5 (MANE Select); 6 bases into the intron after coding-DNA position 7614, C replaced by T.
Molecular consequence: intron variant.
Genome position (GRCh38, 1-based): chr14:102,016,495, C>T. VCF-style: chr14-102016495-C-T. GRCh37 (hg19) VCF-style: chr14-102482832-C-T.
Identifiers: ClinVar variation 567145 (VCV000567145.8), dbSNP rs1567012532, ClinGen allele CA891844350.

ClinVar aggregate classification (germline): Uncertain significance (1 of 4 stars; one submission).

Conditions:
Charcot-Marie-Tooth disease axonal type 2O. Also called: CHARCOT-MARIE-TOOTH NEUROPATHY, AXONAL, TYPE 2O; CHARCOT-MARIE-TOOTH DISEASE, AXONAL, AUTOSOMAL DOMINANT, TYPE 2O; Charcot-Marie-Tooth Neuropathy Type 2O; Charcot-Marie-Tooth disease, axonal, type 20. Identifiers: Orphanet 284232, MedGen C3280220, MONDO:0013644, OMIM 614228.

Submission:

Labcorp Genetics (formerly Invitae), Labcorp
Classification: Uncertain significance for Charcot-Marie-Tooth disease axonal type 2O. Last evaluated: 2018-01-22. Review status: criteria provided, single submitter. Criteria: Invitae Variant Classification Sherloc (09022015). Collection method: clinical testing. Allele origin: germline.
Comment: In summary, the available evidence is currently insufficient to determine the role of this variant in disease. Therefore, it has been classified as a Variant of Uncertain Significance. Nucleotide substitutions within the consensus splice site are a relatively common cause of aberrant splicing (PMID: 17576681, 9536098). Algorithms developed to predict the effect of sequence changes on RNA splicing suggest that this variant may create or strengthen a splice site, but this prediction has not been confirmed by published transcriptional studies. This variant has not been reported in the literature in individuals with DYNC1H1-related disease. This variant is not present in population databases (ExAC no frequency). This sequence change falls in intron 37 of the DYNC1H1 gene. It does not directly change the encoded amino acid sequence of the DYNC1H1 protein, but it affects a nucleotide within the consensus splice site of the intron.

Literature cited by the submitters: PubMed 17576681; PubMed 9536098.